The following is an entry in ClinVar:

ClinVar aggregate classification (germline): Uncertain significance. Review status: criteria provided, multiple submitters, no conflicts (2 of 4 stars). 3 submissions from 3 submitters: Uncertain significance (3). Last evaluated 2024-02-20.

Conditions:
Inborn genetic diseases. Identifiers: MedGen C0950123, MeSH D030342.

Allele frequency attached by ClinVar (database versions not stated): ExAC 0.00006; ESP Exome Variant Server 0.00015; gnomAD 0.00019; TOPMed 0.00019.

Submissions (3):

Blueprint Genetics
Classification: Uncertain significance. Last evaluated: 2024-02-20. Review status: criteria provided, single submitter. Criteria: ACMG Guidelines, 2015. Collection method: clinical testing. Allele origin: germline.

Labcorp Genetics (formerly Invitae), Labcorp
Classification: Uncertain significance. Last evaluated: 2023-06-13. Review status: criteria provided, single submitter. Criteria: Invitae Variant Classification Sherloc (09022015). Collection method: clinical testing. Allele origin: germline.
Comment: This variant is present in population databases (rs148100665, gnomAD 0.05%). In summary, the available evidence is currently insufficient to determine the role of this variant in disease. Therefore, it has been classified as a Variant of Uncertain Significance. An algorithm developed to predict the effect of missense changes on protein structure and function (PolyPhen-2) suggests that this variant¬†is likely to be tolerated. ClinVar contains an entry for this variant (Variation ID: 2149872). This variant has not been reported in the literature in individuals affected with C10orf11-related conditions. This sequence change replaces methionine, which is neutral and non-polar, with threonine, which is neutral and polar, at codon 138 of the C10orf11 protein (p.Met138Thr).

Ambry Genetics
Classification: Uncertain significance for Inborn genetic diseases. Last evaluated: 2021-08-10. Review status: criteria provided, single submitter. Criteria: Ambry Variant Classification Scheme 2023. Collection method: clinical testing. Allele origin: germline.

NM_001305581.2(LRMDA):c.497T>C (p.Met166Thr)

Gene: LRMDA (leucine rich melanocyte differentiation associated; plus strand). Cytogenetic location: 10q22.3.
Variant type: single nucleotide variant.
Coding change: c.497T>C on transcript NM_001305581.2 (MANE Select); coding-DNA position 497, T replaced by C.
Protein change: p.Met166Thr; replaces methionine 166 with threonine.
Molecular consequence: missense variant. On other transcripts: non-coding transcript variant (1).
Genome position (GRCh38, 1-based): chr10:76,058,764, T>C. VCF-style: chr10-76058764-T-C. GRCh37 (hg19) VCF-style: chr10-77818522-T-C.
Other names: c.413T>C (NM_032024.3); c.413T>C, p.Met138Thr (NM_032024.5); short protein forms M138T, M166T.
Identifiers: ClinVar variation 2149872 (VCV002149872.4), dbSNP rs148100665, ClinGen allele CA5567634.